The following is an entry in ClinVar:

ClinVar aggregate classification (germline): Uncertain significance (1 of 4 stars; one submission).

Allele frequency attached by ClinVar (database versions not stated): TOPMed below 0.00001; ExAC 0.00001; gnomAD 0.00001; gnomAD exomes 0.00001.
gnomAD v4.1: 5 of 1,609,668 alleles (0.00031%); highest among the groups gnomAD compares: Non-Finnish European, 0.00042%; no homozygotes.

Submission:

Labcorp Genetics (formerly Invitae), Labcorp
Classification: Uncertain significance. Last evaluated: 2023-04-03. Review status: criteria provided, single submitter. Criteria: Invitae Variant Classification Sherloc (09022015). Collection method: clinical testing. Allele origin: germline.
Comment: In summary, the available evidence is currently insufficient to determine the role of this variant in disease. Therefore, it has been classified as a Variant of Uncertain Significance. Algorithms developed to predict the effect of missense changes on protein structure and function output the following: SIFT: "Not Available"; PolyPhen-2: "Benign"; Align-GVGD: "Not Available". The serine amino acid residue is found in multiple mammalian species, which suggests that this missense change does not adversely affect protein function. ClinVar contains an entry for this variant (Variation ID: 2417528). This variant has not been reported in the literature in individuals affected with FRAS1-related conditions. This variant is present in population databases (rs754316511, gnomAD 0.002%). This sequence change replaces arginine, which is basic and polar, with serine, which is neutral and polar, at codon 720 of the FRAS1 protein (p.Arg720Ser).

NM_025074.7(FRAS1):c.2160A>T (p.Arg720Ser)

Gene: FRAS1 (Fraser extracellular matrix complex subunit 1; plus strand). Cytogenetic location: 4q21.21.
Variant type: single nucleotide variant.
Coding change: c.2160A>T on transcript NM_025074.7 (MANE Select); coding-DNA position 2160, A replaced by T.
Protein change: p.Arg720Ser; replaces arginine 720 with serine.
Molecular consequence: missense variant.
Genome position (GRCh38, 1-based): chr4:78,333,294, A>T. VCF-style: chr4-78333294-A-T. GRCh37 (hg19) VCF-style: chr4-79254448-A-T.
Other names: c.2160A>T, p.Arg720Ser (NM_001166133.2); short protein forms R720S.
Identifiers: ClinVar variation 2417528 (VCV002417528.4), dbSNP rs754316511, ClinGen allele CA2976577.